The following is an entry in ClinVar:

ClinVar aggregate classification (germline): Uncertain significance (1 of 4 stars; one submission).

Conditions:
Inborn genetic diseases. Identifiers: MedGen C0950123, MeSH D030342.

Submission:

Ambry Genetics
Classification: Uncertain significance for Inborn genetic diseases. Last evaluated: 2025-07-18. Review status: criteria provided, single submitter. Criteria: Ambry Variant Classification Scheme 2023. Collection method: clinical testing. Allele origin: germline.
Comment: The p.S1019A variant (also known as c.3055T>G), located in coding exon 31 of the FANCA gene, results from a T to G substitution at nucleotide position 3055. The serine at codon 1019 is replaced by alanine, an amino acid with similar properties. This amino acid position is conserved. In addition, the in silico prediction for this alteration is inconclusive. Based on the available evidence, the clinical significance of this variant remains unclear.

NM_000135.4(FANCA):c.3055T>G (p.Ser1019Ala)

Gene: FANCA (FA complementation group A; minus strand). Cytogenetic location: 16q24.3.
Variant type: single nucleotide variant.
Coding change: c.3055T>G on transcript NM_000135.4 (MANE Select); coding-DNA position 3055, T replaced by G.
Protein change: p.Ser1019Ala; replaces serine 1019 with alanine.
Molecular consequence: missense variant.
Genome position (GRCh38, 1-based): chr16:89,752,149, A>C on the plus strand (T>G on the coding strand, the complement: FANCA is on the minus strand). VCF-style: chr16-89752149-A-C. GRCh37 (hg19) VCF-style: chr16-89818557-A-C.
Other names: c.3055T>G, p.Ser1019Ala (NM_001286167.3); short protein forms S1019A.
Identifiers: ClinVar variation 4254213 (VCV004254213.1).